The following is an entry in ClinVar:

ClinVar aggregate classification (germline): Uncertain significance. Review status: criteria provided, multiple submitters, no conflicts (2 of 4 stars). 2 submissions from 2 submitters: Uncertain significance (2). Last evaluated 2025-11-25.

Conditions:
Brachyolmia-amelogenesis imperfecta syndrome. Also called: PLATYSPONDYLY WITH AMELOGENESIS IMPERFECTA; Tooth agenesis, selective, 6; Dental anomalies and short stature. Identifiers: Orphanet 2899, MedGen C1832594, MONDO:0011018, OMIM 601216. Disease mechanism: loss of function.
Inborn genetic diseases. Identifiers: MedGen C0950123, MeSH D030342.

Allele frequency attached by ClinVar (database versions not stated): gnomAD 0.00001; ExAC 0.00002; gnomAD exomes 0.00002.
gnomAD v4.1: 13 of 1,614,044 alleles (0.00081%); highest among the groups gnomAD compares: Admixed American, 0.017%; no homozygotes.

Submissions (2):

Ambry Genetics
Classification: Uncertain significance for Inborn genetic diseases. Last evaluated: 2025-11-25. Review status: criteria provided, single submitter. Criteria: Ambry Variant Classification Scheme 2023. Collection method: clinical testing. Allele origin: germline.
Comment: The p.H668Q variant (also known as c.2004C>G), located in coding exon 14 of the LTBP3 gene, results from a C to G substitution at nucleotide position 2004. The histidine at codon 668 is replaced by glutamine, an amino acid with highly similar properties. This amino acid position is conserved. In addition, this alteration is predicted to be tolerated by in silico analysis. Since supporting evidence is limited at this time, the clinical significance of this alteration remains unclear.

Labcorp Genetics (formerly Invitae), Labcorp
Classification: Uncertain significance for Brachyolmia-amelogenesis imperfecta syndrome. Last evaluated: 2025-07-22. Review status: criteria provided, single submitter. Criteria: Invitae Variant Classification Sherloc (09022015). Collection method: clinical testing. Allele origin: germline.
Comment: This sequence change replaces histidine, which is basic and polar, with glutamine, which is neutral and polar, at codon 668 of the LTBP3 protein (p.His668Gln). This variant is present in population databases (rs756791055, gnomAD 0.01%). This variant has not been reported in the literature in individuals affected with LTBP3-related conditions. ClinVar contains an entry for this variant (Variation ID: 1432647). An algorithm developed to predict the effect of missense changes on protein structure and function (PolyPhen-2) suggests that this variant is likely to be disruptive. In summary, the available evidence is currently insufficient to determine the role of this variant in disease. Therefore, it has been classified as a Variant of Uncertain Significance.

NM_001130144.3(LTBP3):c.2004C>G (p.His668Gln)

Gene: LTBP3 (latent transforming growth factor beta binding protein 3; minus strand). Cytogenetic location: 11q13.1.
Variant type: single nucleotide variant.
Coding change: c.2004C>G on transcript NM_001130144.3 (MANE Select); coding-DNA position 2004, C replaced by G.
Protein change: p.His668Gln; replaces histidine 668 with glutamine.
Molecular consequence: missense variant.
Genome position (GRCh38, 1-based): chr11:65,547,542, G>C on the plus strand (C>G on the coding strand, the complement: LTBP3 is on the minus strand). VCF-style: chr11-65547542-G-C. GRCh37 (hg19) VCF-style: chr11-65315013-G-C.
Other names: c.2004C>G (NM_001130144.2); c.1653C>G, p.His551Gln (NM_001164266.1); c.2004C>G, p.His668Gln (NM_021070.4); short protein forms H668Q, H551Q.
Identifiers: ClinVar variation 1432647 (VCV001432647.12), dbSNP rs756791055, ClinGen allele CA6100764.